The following is an entry in ClinVar:

ClinVar aggregate classification (germline): Uncertain significance. Review status: criteria provided, multiple submitters, no conflicts (2 of 4 stars). 3 submissions from 3 submitters: Uncertain significance (3). Last evaluated 2026-09-13.

Conditions:
Familial cancer of breast. Also called: Hereditary breast cancer; hereditary breast carcinoma; BREAST CANCER, FAMILIAL. Identifiers: Orphanet 227535, MedGen C0346153, MONDO:0016419, OMIM 114480. Disease mechanism: loss of function.
Hereditary cancer-predisposing syndrome. Also called: Tumor predisposition; Hereditary Cancer Syndrome; Hereditary neoplastic syndrome; Neoplastic Syndromes, Hereditary. Identifiers: Orphanet 140162, MedGen C0027672, MeSH D009386, MONDO:0015356.

gnomAD v4.1: 2 of 1,614,140 alleles (0.00012%); highest among the groups gnomAD compares: Non-Finnish European, 0.000085%; no homozygotes.

Submissions (3):

Ambry Genetics
Classification: Uncertain significance for Hereditary cancer-predisposing syndrome. Last evaluated: 2026-09-13. Review status: criteria provided, single submitter. Criteria: Ambry Variant Classification Scheme 2023. Collection method: clinical testing. Allele origin: germline.
Comment: The p.I702V variant (also known as c.2104A>G), located in coding exon 5 of the PALB2 gene, results from an A to G substitution at nucleotide position 2104. The isoleucine at codon 702 is replaced by valine, an amino acid with highly similar properties. This amino acid position is conserved. In addition, this alteration is predicted to be tolerated by in silico analysis. Based on the available evidence, the clinical significance of this variant remains unclear.

Color Diagnostics, LLC DBA Color Health
Classification: Uncertain significance for Hereditary cancer-predisposing syndrome. Last evaluated: 2025-03-17. Review status: criteria provided, single submitter. Criteria: ACMG Guidelines, 2015. Collection method: clinical testing. Allele origin: germline.
Comment: This missense variant replaces isoleucine with valine at codon 702 of the PALB2 protein. Computational prediction suggests that this variant may not impact protein structure and function (internally defined REVEL score threshold <= 0.5, PMID: 27666373). To our knowledge, functional studies have not been reported for this variant. This variant has not been reported in individuals affected with PALB2-related disorders in the literature. This variant has not been identified in the general population by the Genome Aggregation Database (gnomAD). The available evidence is insufficient to determine the role of this variant in disease conclusively. Therefore, this variant is classified as a Variant of Uncertain Significance.

Labcorp Genetics (formerly Invitae), Labcorp
Classification: Uncertain significance for Familial cancer of breast. Last evaluated: 2024-04-03. Review status: criteria provided, single submitter. Criteria: Invitae Variant Classification Sherloc (09022015). Collection method: clinical testing. Allele origin: germline.
Comment: This sequence change replaces isoleucine, which is neutral and non-polar, with valine, which is neutral and non-polar, at codon 702 of the PALB2 protein (p.Ile702Val). This variant is not present in population databases (gnomAD no frequency). This variant has not been reported in the literature in individuals affected with PALB2-related conditions. ClinVar contains an entry for this variant (Variation ID: 1037237). Advanced modeling of protein sequence and biophysical properties (such as structural, functional, and spatial information, amino acid conservation, physicochemical variation, residue mobility, and thermodynamic stability) performed at Invitae indicates that this missense variant is not expected to disrupt PALB2 protein function with a negative predictive value of 80%. In summary, the available evidence is currently insufficient to determine the role of this variant in disease. Therefore, it has been classified as a Variant of Uncertain Significance.

NM_024675.4(PALB2):c.2104A>G (p.Ile702Val)

Gene: PALB2 (partner and localizer of BRCA2; minus strand). Cytogenetic location: 16p12.2.
Variant type: single nucleotide variant.
Coding change: c.2104A>G on transcript NM_024675.4 (MANE Select); coding-DNA position 2104, A replaced by G.
Protein change: p.Ile702Val; replaces isoleucine 702 with valine.
Molecular consequence: missense variant.
Genome position (GRCh38, 1-based): chr16:23,630,050, T>C on the plus strand (A>G on the coding strand, the complement: PALB2 is on the minus strand). VCF-style: chr16-23630050-T-C. GRCh37 (hg19) VCF-style: chr16-23641371-T-C.
Other names: c.2104A>G (NM_024675.3); short protein forms I702V.
Identifiers: ClinVar variation 1037237 (VCV001037237.10), dbSNP rs587781888, ClinGen allele CA395125789.